The following is an entry in ClinVar:

ClinVar aggregate classification (germline): Likely benign. Review status: criteria provided, single submitter (1 of 4 stars). 2 submissions from 2 submitters: Likely benign (1). 1 of the submissions does not count toward it. Last evaluated 2022-11-22.

Conditions:
Inborn genetic diseases. Identifiers: MedGen C0950123, MeSH D030342.
MLPH-related disorder. Also called: MLPH-related condition.

Allele frequency attached by ClinVar (database versions not stated): ESP Exome Variant Server 0.00008; TOPMed 0.00015; gnomAD 0.00023; 1000 Genomes Project 30x 0.00062; 1000 Genomes Project 0.00080.
gnomAD v4.1: 701 of 1,613,816 alleles (0.043%); highest among the groups gnomAD compares: South Asian, 0.53%; 7 homozygotes.

Submissions (2):

Ambry Genetics
Classification: Likely benign for Inborn genetic diseases. Last evaluated: 2022-11-22. Review status: criteria provided, single submitter. Criteria: Ambry Variant Classification Scheme 2023. Collection method: clinical testing. Allele origin: germline.

PreventionGenetics, part of Exact Sciences
Classification: Likely benign for MLPH-related condition. Last evaluated: 2020-03-09. Review status: no assertion criteria provided. Collection method: clinical testing. Allele origin: germline. Not counted in ClinVar's aggregate classification.
Comment: This variant is classified as likely benign based on ACMG/AMP sequence variant interpretation guidelines (Richards et al. 2015 PMID: 25741868, with internal and published modifications).

NM_024101.7(MLPH):c.833C>T (p.Pro278Leu)

Gene: MLPH (melanophilin; plus strand). Cytogenetic location: 2q37.3.
Variant type: single nucleotide variant.
Coding change: c.833C>T on transcript NM_024101.7 (MANE Select); coding-DNA position 833, C replaced by T.
Protein change: p.Pro278Leu; replaces proline 278 with leucine.
Molecular consequence: missense variant. On other transcripts: non-coding transcript variant (1), intron variant (1).
Genome position (GRCh38, 1-based): chr2:237,525,758, C>T. VCF-style: chr2-237525758-C-T. GRCh37 (hg19) VCF-style: chr2-238434401-C-T.
Other names: c.833C>T, p.Pro278Leu (NM_001042467.3); c.713C>T, p.Pro238Leu (NM_001281473.2); c.675+5729C>T (NM_001281474.2); c.833C>T (NM_024101.6); short protein forms P238L, P278L.
Identifiers: ClinVar variation 2223892 (VCV002223892.4), dbSNP rs139390935, ClinGen allele CA2190349.